The following is an entry in ClinVar:

ClinVar aggregate classification (germline): Uncertain significance (1 of 4 stars; one submission).

Conditions:
Charcot-Marie-Tooth disease type 2R. Also called: Charcot-Marie-Tooth disease, axonal, type 2R; CHARCOT-MARIE-TOOTH NEUROPATHY, TYPE 2R; CHARCOT-MARIE-TOOTH DISEASE, AXONAL, AUTOSOMAL RECESSIVE, TYPE 2R. Identifiers: Orphanet 397968, MedGen C3809655, MONDO:0014208, OMIM 615490.

Allele frequency attached by ClinVar (database versions not stated): gnomAD 0.00001; 1000 Genomes Project 30x 0.00016; 1000 Genomes Project 0.00020.
gnomAD v4.1: 1 of 1,614,204 alleles (0.000062%); highest among the groups gnomAD compares: East Asian, 0.0022%; no homozygotes.

Submission:

Labcorp Genetics (formerly Invitae), Labcorp
Classification: Uncertain significance for Charcot-Marie-Tooth disease type 2R. Last evaluated: 2023-03-21. Review status: criteria provided, single submitter. Criteria: Invitae Variant Classification Sherloc (09022015). Collection method: clinical testing. Allele origin: germline.
Comment: In summary, the available evidence is currently insufficient to determine the role of this variant in disease. Therefore, it has been classified as a Variant of Uncertain Significance. An algorithm developed to predict the effect of missense changes on protein structure and function (PolyPhen-2) suggests that this variant is likely to be tolerated. This variant has not been reported in the literature in individuals affected with TRIM2-related conditions. This variant is not present in population databases (gnomAD no frequency). This sequence change replaces threonine, which is neutral and polar, with asparagine, which is neutral and polar, at codon 66 of the TRIM2 protein (p.Thr66Asn).

NM_015271.5(TRIM2):c.278C>A (p.Thr93Asn)

Gene: TRIM2 (tripartite motif containing 2; plus strand). Cytogenetic location: 4q31.3.
Variant type: single nucleotide variant.
Coding change: c.278C>A on transcript NM_015271.5 (MANE Select); coding-DNA position 278, C replaced by A.
Protein change: p.Thr93Asn; replaces threonine 93 with asparagine.
Molecular consequence: missense variant. On other transcripts: 5 prime UTR variant (4).
Genome position (GRCh38, 1-based): chr4:153,275,955, C>A. VCF-style: chr4-153275955-C-A. GRCh37 (hg19) VCF-style: chr4-154197107-C-A.
Other names: c.197C>A, p.Thr66Asn (NM_001130067.2, NM_001351056.2, NM_001375512.1 and 5 more transcripts); c.278C>A, p.Thr93Asn (NM_001302692.2, NM_001375488.1, NM_001375490.1 and 1 more transcripts); c.275C>A, p.Thr92Asn (NM_001302693.2, NM_001375489.1, NM_001375491.1 and 1 more transcripts); c.251C>A, p.Thr84Asn (NM_001302694.2, NM_001351054.2); c.248C>A, p.Thr83Asn (NM_001351055.2); c.-280C>A (NM_001351057.2); c.-62C>A (NM_001375522.1, NM_001375523.1, NM_001375525.1); short protein forms T92N, T66N, T93N, T83N, T84N.
Identifiers: ClinVar variation 2914155 (VCV002914155.3), dbSNP rs114523797, ClinGen allele CA107904295.